The following is an entry in ClinVar:

ClinVar aggregate classification (germline): Uncertain significance (1 of 4 stars; one submission).

Submission:

GeneDx
Classification: Uncertain significance. Last evaluated: 2025-03-13. Review status: criteria provided, single submitter. Criteria: GeneDx Variant Classification Process June 2021. Collection method: clinical testing. Allele origin: germline. Affected: yes.
Comment: Not observed at significant frequency in large population cohorts (gnomAD); In silico analysis supports that this missense variant has a deleterious effect on protein structure/function; Has not been previously published as pathogenic or benign to our knowledge

NM_001020658.2(PUM1):c.3268C>T (p.His1090Tyr)

Gene: PUM1 (pumilio RNA binding family member 1; minus strand). Cytogenetic location: 1p35.2.
Variant type: single nucleotide variant.
Coding change: c.3268C>T on transcript NM_001020658.2 (MANE Select); coding-DNA position 3268, C replaced by T.
Protein change: p.His1090Tyr; replaces histidine 1090 with tyrosine.
Molecular consequence: missense variant.
Genome position (GRCh38, 1-based): chr1:30,936,810, G>A on the plus strand (C>T on the coding strand, the complement: PUM1 is on the minus strand). VCF-style: chr1-30936810-G-A. GRCh37 (hg19) VCF-style: chr1-31409657-G-A.
Other names: c.3262C>T, p.His1088Tyr (NM_014676.3); short protein forms H1088Y, H1090Y.
Identifiers: ClinVar variation 4083004 (VCV004083004.1).